The following is an entry in ClinVar:

NM_005450.6(NOG):c.81C>T (p.Gly27=)

Gene: NOG (noggin; plus strand). Cytogenetic location: 17q22.
Variant type: single nucleotide variant.
Coding change: c.81C>T on transcript NM_005450.6 (MANE Select); coding-DNA position 81, C replaced by T.
Protein change: p.Gly27=; no amino-acid change (glycine 27 retained).
Molecular consequence: synonymous variant.
Genome position (GRCh38, 1-based): chr17:56,594,304, C>T. VCF-style: chr17-56594304-C-T. GRCh37 (hg19) VCF-style: chr17-54671665-C-T.
Identifiers: ClinVar variation 3648378 (VCV003648378.2).

ClinVar aggregate classification (germline): Uncertain significance (1 of 4 stars; one submission).

Submission:

Labcorp Genetics (formerly Invitae), Labcorp
Classification: Uncertain significance. Last evaluated: 2024-04-01. Review status: criteria provided, single submitter. Criteria: Invitae Variant Classification Sherloc (09022015). Collection method: clinical testing. Allele origin: germline.
Comment: This sequence change affects codon 27 of the NOG mRNA. It is a 'silent' change, meaning that it does not change the encoded amino acid sequence of the NOG protein. This variant is not present in population databases (gnomAD no frequency). This variant has not been reported in the literature in individuals affected with NOG-related conditions. In summary, the available evidence is currently insufficient to determine the role of this variant in disease. Therefore, it has been classified as a Variant of Uncertain Significance.